The following is an entry in ClinVar:

NM_178857.6(RP1L1):c.3582G>T (p.Thr1194=)

Gene: RP1L1 (RP1 like 1). Cytogenetic location: 8p23.1.
Variant type: single nucleotide variant.
Coding change: c.3582G>T on transcript NM_178857.6 (MANE Select); coding-DNA position 3582, G replaced by T.
Protein change: p.Thr1194=; no amino-acid change (threonine 1194 retained).
Molecular consequence: synonymous variant.
Genome position (GRCh38, 1-based): chr8:10,610,516, C>A on the plus strand (G>T on the coding strand, the complement: RP1L1 is on the minus strand). VCF-style: chr8-10610516-C-A. GRCh37 (hg19) VCF-style: chr8-10468026-C-A.
Identifiers: ClinVar variation 361307 (VCV000361307.6), dbSNP rs200519322, ClinGen allele CA4624438.

ClinVar aggregate classification (germline): Benign/Likely benign. Review status: criteria provided, multiple submitters, no conflicts (2 of 4 stars). 2 submissions from 2 submitters: Benign (1); Likely benign (1). Last evaluated 2021-07-05.

Conditions:
Occult macular dystrophy (OCMD). Also called: OMD; OCCULT MACULAR DYSTROPHY, SUSCEPTIBILITY TO. Identifiers: Orphanet 247834, MedGen C3150833, MONDO:0013316, OMIM 613587, HP:0030636.

Allele frequency attached by ClinVar (database versions not stated): TOPMed 0.00007.
gnomAD v4.1: 70 of 1,613,622 alleles (0.0043%); highest among the groups gnomAD compares: Admixed American, 0.11%; no homozygotes.

Submissions (2):

Blueprint Genetics
Classification: Likely benign. Last evaluated: 2021-07-05. Review status: criteria provided, single submitter. Criteria: ACMG Guidelines, 2015. Collection method: clinical testing. Allele origin: germline.

Illumina Laboratory Services, Illumina
Classification: Benign for Occult macular dystrophy. Last evaluated: 2018-01-12. Review status: criteria provided, single submitter. Criteria: ICSL Variant Classification Criteria 13 December 2019. Collection method: clinical testing. Allele origin: germline.
Comment: This variant was observed in the ICSL laboratory as part of a predisposition screen in an ostensibly healthy population. It had not been previously curated by ICSL or reported in the Human Gene Mutation Database (HGMD: prior to June 1st, 2018), and was therefore a candidate for classification through an automated scoring system. Utilizing variant allele frequency, disease prevalence and penetrance estimates, and inheritance mode, an automated score was calculated to assess if this variant is too frequent to cause the disease. Based on the score and internal cut-off values, a variant classified as benign is not then subjected to further curation. The score for this variant resulted in a classification of benign for this disease.